The following is an entry in ClinVar:

NM_001379291.1(BRD4):c.2158+1912C>T

Gene: BRD4 (bromodomain containing 4; minus strand). Cytogenetic location: 19p13.12.
Variant type: single nucleotide variant.
Coding change: c.2158+1912C>T on transcript NM_001379291.1 (MANE Select); 1912 bases into the intron after coding-DNA position 2158, C replaced by T.
Molecular consequence: intron variant.
Genome position (GRCh38, 1-based): chr19:15,252,240, G>A on the plus strand (C>T on the coding strand, the complement: BRD4 is on the minus strand). VCF-style: chr19-15252240-G-A. GRCh37 (hg19) VCF-style: chr19-15363051-G-A.
Other names: c.2158+1912C>T (NM_058243.3, NM_001379292.1, NM_014299.3).
Identifiers: ClinVar variation 2649481 (VCV002649481.24), dbSNP rs558576565, ClinGen allele CA305797978.

ClinVar aggregate classification (germline): Benign (1 of 4 stars; one submission).

Allele frequency attached by ClinVar (database versions not stated): TOPMed 0.00005; gnomAD 0.00009; 1000 Genomes Project 0.00020; 1000 Genomes Project 30x 0.00031.
gnomAD v4.1: 14 of 152,298 alleles (0.0092%); highest among the groups gnomAD compares: South Asian, 0.25%; 1 homozygote.

Submission:

CeGaT Center for Human Genetics Tuebingen
Classification: Benign. Last evaluated: 2022-05-01. Review status: criteria provided, single submitter. Criteria: CeGaT Center For Human Genetics Tuebingen Variant Classification Criteria Version 2. Collection method: clinical testing. Allele origin: germline. Affected: yes. Observed: 1 variant allele.
Comment: BRD4: BS1, BS2